The following is an entry in ClinVar:

ClinVar aggregate classification (germline): Uncertain significance (1 of 4 stars; one submission).

Conditions:
Hereditary cancer-predisposing syndrome. Also called: Neoplastic Syndromes, Hereditary; Tumor predisposition; Hereditary Cancer Syndrome; Hereditary neoplastic syndrome. Identifiers: Orphanet 140162, MedGen C0027672, MeSH D009386, MONDO:0015356.

Submission:

Ambry Genetics
Classification: Uncertain significance for Hereditary cancer-predisposing syndrome. Last evaluated: 2026-05-30. Review status: criteria provided, single submitter. Criteria: Ambry Variant Classification Scheme 2023. Collection method: clinical testing. Allele origin: germline.
Comment: The p.D1942V variant (also known as c.5825A>T), located in coding exon 15 of the APC gene, results from an A to T substitution at nucleotide position 5825. The aspartic acid at codon 1942 is replaced by valine, an amino acid with highly dissimilar properties. This amino acid position is conserved. In addition, in silico predictors for this gene do not accurately predict pathogenicity. Based on the available evidence, the clinical significance of this variant remains unclear.

NM_000038.6(APC):c.5825A>T (p.Asp1942Val)

Gene: APC (APC regulator of Wnt signaling pathway; plus strand). Cytogenetic location: 5q22.2.
Variant type: single nucleotide variant.
Coding change: c.5825A>T on transcript NM_000038.6 (MANE Select); coding-DNA position 5825, A replaced by T.
Protein change: p.Asp1942Val; replaces aspartic acid 1942 with valine.
Molecular consequence: missense variant. On other transcripts: non-coding transcript variant (2).
Genome position (GRCh38, 1-based): chr5:112,841,419, A>T. VCF-style: chr5-112841419-A-T. GRCh37 (hg19) VCF-style: chr5-112177116-A-T.
Other names: c.5552A>T, p.Asp1851Val (NM_001354902.2); c.5522A>T, p.Asp1841Val (NM_001354903.2, NM_001407458.1, NM_001407459.1 and 1 more transcripts); c.5447A>T, p.Asp1816Val (NM_001354904.2); c.5345A>T, p.Asp1782Val (NM_001354905.2); c.4976A>T, p.Asp1659Val (NM_001354906.2, NM_001407470.1); c.5909A>T, p.Asp1970Val (NM_001407446.1); c.5879A>T, p.Asp1960Val (NM_001407447.1, NM_001407448.1, NM_001407449.1 and 1 more transcripts); c.5825A>T, p.Asp1942Val (NM_001407450.1, NM_001127510.3, NM_001354895.2); and 11 more; short protein forms D1558V, D1659V, D1782V, D1813V, D1816V, D1841V, D1851V, D1859V.
Identifiers: ClinVar variation 4861927 (VCV004861927.1).